The following is an entry in ClinVar:

NM_000492.4(CFTR):c.796A>G (p.Ile266Val)

Gene: CFTR (CF transmembrane conductance regulator; plus strand). Cytogenetic location: 7q31.2.
Variant type: single nucleotide variant.
Coding change: c.796A>G on transcript NM_000492.4 (MANE Select); coding-DNA position 796, A replaced by G.
Protein change: p.Ile266Val; replaces isoleucine 266 with valine.
Molecular consequence: missense variant.
Genome position (GRCh38, 1-based): chr7:117,536,600, A>G. VCF-style: chr7-117536600-A-G. GRCh37 (hg19) VCF-style: chr7-117176654-A-G.
Other names: short protein forms I266V.
Identifiers: ClinVar variation 1804685 (VCV001804685.3), dbSNP rs2485020285, ClinGen allele CA368977426.
Genomic context (GRCh38, chr7:117,536,600, plus strand): 5'-ATTTACAGAGATCAGAGAGCTGGGAAGATCAGTGAAAGACTTGTGATTACCTCAGAAATG[A>G]TTGAAAATATCCAATCTGTTAAGGCATACTGCTGGGAAGAAGCAATGGAAAAAATGATTG-3'
Protein context (NP_000483.3, residues 256-276): SERLVITSEM[Ile266Val]ENIQSVKAYC

ClinVar aggregate classification (germline): Uncertain significance. Review status: criteria provided, multiple submitters, no conflicts (2 of 4 stars). 2 submissions from 2 submitters: Uncertain significance (2). Last evaluated 2023-02-15.

Conditions:
Cystic fibrosis (CF). Also called: MUCOVISCIDOSIS. Identifiers: Orphanet 586, MedGen C0010674, MONDO:0009061, OMIM 219700. Disease mechanism: loss of function.

gnomAD v4.1: 1 of 1,609,630 alleles (0.000062%); highest among the groups gnomAD compares: Non-Finnish European, 0.000085%; no homozygotes.

Submissions (2):

Ambry Genetics
Classification: Uncertain significance for Cystic fibrosis. Last evaluated: 2023-02-15. Review status: criteria provided, single submitter. Criteria: Ambry Variant Classification Scheme 2023. Collection method: clinical testing. Allele origin: germline.
Comment: The p.I266V variant (also known as c.796A>G), located in coding exon 7 of the CFTR gene, results from an A to G substitution at nucleotide position 796. The isoleucine at codon 266 is replaced by valine, an amino acid with highly similar properties. This amino acid position is well conserved in available vertebrate species. In addition, this alteration is predicted to be tolerated by in silico analysis. Since supporting evidence is limited at this time, the clinical significance of this alteration remains unclear.

Women's Health and Genetics/Laboratory Corporation of America, LabCorp
Classification: Uncertain significance. Last evaluated: 2022-11-03. Review status: criteria provided, single submitter. Criteria: LabCorp Variant Classification Summary - May 2015. Collection method: clinical testing. Allele origin: germline.